The following is an entry in ClinVar:

NM_006735.4(HOXA2):c.352A>G (p.Thr118Ala)

Gene: HOXA2 (homeobox A2; minus strand). Cytogenetic location: 7p15.2.
Variant type: single nucleotide variant.
Coding change: c.352A>G on transcript NM_006735.4 (MANE Select); coding-DNA position 352, A replaced by G.
Protein change: p.Thr118Ala; replaces threonine 118 with alanine.
Molecular consequence: missense variant.
Genome position (GRCh38, 1-based): chr7:27,102,149, T>C on the plus strand (A>G on the coding strand, the complement: HOXA2 is on the minus strand). VCF-style: chr7-27102149-T-C. GRCh37 (hg19) VCF-style: chr7-27141768-T-C.
Other names: short protein forms T118A.
Identifiers: ClinVar variation 908610 (VCV000908610.7), dbSNP rs750882072, ClinGen allele CA4196272.

ClinVar aggregate classification (germline): Conflicting classifications of pathogenicity. Review status: criteria provided, conflicting classifications (1 of 4 stars). 3 submissions from 3 submitters: Uncertain significance (2); Likely benign (1). Last evaluated 2024-10-08.

Conditions:
Bilateral microtia-deafness-cleft palate syndrome. Identifiers: Orphanet 140963, MedGen C2676772, MONDO:0012854, OMIM 612290.
HOXA2-related disorder. Also called: HOXA2-related condition.
Inborn genetic diseases. Identifiers: MedGen C0950123, MeSH D030342.

Allele frequency attached by ClinVar (database versions not stated): gnomAD exomes 0.00002 and 0.00006; gnomAD 0.00003; ExAC 0.00005.

Submissions (3):

PreventionGenetics, part of Exact Sciences
Classification: Uncertain significance for HOXA2-related condition. Last evaluated: 2024-10-08. Review status: criteria provided, single submitter. Criteria: ACMG Guidelines, 2015. Collection method: clinical testing. Allele origin: germline.
Comment: The HOXA2 c.352A>G variant is predicted to result in the amino acid substitution p.Thr118Ala. To our knowledge, this variant has not been reported in the literature. This variant is reported in 0.027% of alleles in individuals of Latino descent in gnomAD. At this time, the clinical significance of this variant is uncertain due to the absence of conclusive functional and genetic evidence.

Ambry Genetics
Classification: Likely benign for Inborn genetic diseases. Last evaluated: 2023-08-10. Review status: criteria provided, single submitter. Criteria: Ambry Variant Classification Scheme 2023. Collection method: clinical testing. Allele origin: germline.

Illumina Laboratory Services, Illumina
Classification: Uncertain significance for Bilateral microtia-deafness-cleft palate syndrome. Last evaluated: 2018-01-13. Review status: criteria provided, single submitter. Criteria: ICSL Variant Classification Criteria 13 December 2019. Collection method: clinical testing. Allele origin: germline.